The following is an entry in ClinVar:

NM_001276700.2(NLRP6):c.1271C>A (p.Thr424Asn)

Gene: NLRP6 (NLR family pyrin domain containing 6; plus strand). Cytogenetic location: 11p15.5.
Variant type: single nucleotide variant.
Coding change: c.1271C>A on transcript NM_001276700.2 (MANE Select); coding-DNA position 1271, C replaced by A.
Protein change: p.Thr424Asn; replaces threonine 424 with asparagine.
Molecular consequence: missense variant.
Genome position (GRCh38, 1-based): chr11:281,005, C>A. VCF-style: chr11-281005-C-A. GRCh37 (hg19) VCF-style: chr11-281005-C-A.
Other names: c.1271C>A, p.Thr424Asn (NM_138329.2); short protein forms T424N.
Identifiers: ClinVar variation 103229 (VCV000103229.2), dbSNP rs199475806, ClinGen allele CA230286.

ClinVar aggregate classification (germline): not provided (0 of 4 stars; one submission).

gnomAD v4.1: 1 of 1,613,104 alleles (0.000062%); highest among the groups gnomAD compares: African/African-American, 0.0013%; no homozygotes.

Submission:

Human Evolutionary Genetics, Institut Pasteur
No classification provided. Review status: no classification provided. Collection method: not provided. Allele origin: germline.
ClinVar note: Converted during submission from untested to not provided.